The following is an entry in ClinVar:

NM_003676.4(DEGS1):c.886G>C (p.Val296Leu)

Gene: DEGS1 (delta 4-desaturase, sphingolipid 1; plus strand). Cytogenetic location: 1q42.11.
Variant type: single nucleotide variant.
Coding change: c.886G>C on transcript NM_003676.4 (MANE Select); coding-DNA position 886, G replaced by C.
Protein change: p.Val296Leu; replaces valine 296 with leucine.
Molecular consequence: missense variant. On other transcripts: 3 prime UTR variant (1).
Genome position (GRCh38, 1-based): chr1:224,192,392, G>C. VCF-style: chr1-224192392-G-C. GRCh37 (hg19) VCF-style: chr1-224380094-G-C.
Other names: c.*84G>C (NM_001321541.2); c.778G>C, p.Val260Leu (NM_001321542.2); short protein forms V260L, V296L.
Identifiers: ClinVar variation 3052048 (VCV003052048.4), dbSNP rs148333931, ClinGen allele CA1413716.

ClinVar aggregate classification (germline): Conflicting classifications of pathogenicity. Review status: criteria provided, conflicting classifications (1 of 4 stars). 3 submissions from 3 submitters: Uncertain significance (1); Likely benign (1). 1 of the submissions does not count toward it. Last evaluated 2025-10-24.

Conditions:
DEGS1-related disorder. Also called: DEGS1-related condition.

Allele frequency attached by ClinVar (database versions not stated): gnomAD exomes 0.00004; ExAC 0.00016; 1000 Genomes Project 0.00020; 1000 Genomes Project 30x 0.00031; TOPMed 0.00060; gnomAD 0.00064; ESP Exome Variant Server 0.00092.

Submissions (3):

Labcorp Genetics (formerly Invitae), Labcorp
Classification: Likely benign. Last evaluated: 2025-10-24. Review status: criteria provided, single submitter. Criteria: Invitae Variant Classification Sherloc (09022015). Collection method: clinical testing. Allele origin: germline.

Blueprint Genetics
Classification: Uncertain significance. Last evaluated: 2022-02-22. Review status: criteria provided, single submitter. Criteria: ACMG Guidelines, 2015. Collection method: clinical testing. Allele origin: germline.

PreventionGenetics, part of Exact Sciences
Classification: Likely benign for DEGS1-related condition. Last evaluated: 2023-02-27. Review status: no assertion criteria provided. Collection method: clinical testing. Allele origin: germline. Not counted in ClinVar's aggregate classification.
Comment: This variant is classified as likely benign based on ACMG/AMP sequence variant interpretation guidelines (Richards et al. 2015 PMID: 25741868, with internal and published modifications).